The following is an entry in ClinVar:

ClinVar aggregate classification (germline): Likely benign. Review status: reviewed by expert panel (3 of 4 stars). 3 submissions from 3 submitters: Likely benign (1). 2 of the submissions do not count toward it. Last evaluated 2023-11-13.

Conditions:
Inborn genetic diseases. Identifiers: MedGen C0950123, MeSH D030342.
Hereditary thrombocytopenia and hematological cancer predisposition syndrome associated with RUNX1. Also called: Familial Platelet Disorder with Propensity to Acute Myelogenous Leukemia; Familial thrombocytopenia with propensity to acute myelogenous leukemia; PLATELET DISORDER, ASPIRIN-LIKE; RUNX1 Familial Platelet Disorder with Associated Myeloid Malignancies. Identifiers: Orphanet 71290, MedGen C1832388, MeSH C563324, MONDO:0100083, OMIM 601399.

Allele frequency attached by ClinVar (database versions not stated): gnomAD exomes below 0.00001; gnomAD 0.00001; 1000 Genomes Project 30x 0.00016.
gnomAD v4.1: 7 of 1,610,352 alleles (0.00043%); highest among the groups gnomAD compares: Admixed American, 0.0017%; no homozygotes.

Submissions (3):

ClinGen Myeloid Malignancy Variant Curation Expert Panel
Classification: Likely benign for Hereditary thrombocytopenia and hematological cancer predisposition syndrome associated with RUNX1. Last evaluated: 2023-11-13. Review status: reviewed by expert panel. Criteria: ClinGen MyeloMalig ACMG Specifications v2. Collection method: curation. Allele origin: germline. Inheritance: Autosomal dominant inheritance.
Comment: NM_001754.5(RUNX1):c.222C>T (p.Gly74=) is a synonymous variant. REVEL score is not applicable and SpliceAI ∆ scores <= 0.20 (BP4). Evolutionary conservation prediction algorithms predict the site as not being conserved (PhyloP score 0.088874 < 2.0) (BP7). In summary, this variant meets the criteria to be classified as likely benign. ACMG/AMP criteria applied, as specified by the Myeloid Malignancy Variant Curation Expert Panel for RUNX1: BP4, BP7.

Ambry Genetics
Classification: Likely benign for Inborn genetic diseases. Last evaluated: 2025-05-03. Review status: criteria provided, single submitter. Criteria: Ambry Variant Classification Scheme 2023. Collection method: clinical testing. Allele origin: germline. Not counted in ClinVar's aggregate classification.

Labcorp Genetics (formerly Invitae), Labcorp
Classification: Likely benign for Hereditary thrombocytopenia and hematological cancer predisposition syndrome associated with RUNX1. Last evaluated: 2022-08-09. Review status: criteria provided, single submitter. Criteria: Invitae Variant Classification Sherloc (09022015). Collection method: clinical testing. Allele origin: germline. Not counted in ClinVar's aggregate classification.

NM_001754.5(RUNX1):c.222C>T (p.Gly74=)

Gene: RUNX1 (RUNX family transcription factor 1; minus strand). Cytogenetic location: 21q22.12.
Variant type: single nucleotide variant.
Coding change: c.222C>T on transcript NM_001754.5 (MANE Select); coding-DNA position 222, C replaced by T.
Protein change: p.Gly74=; no amino-acid change (glycine 74 retained).
Molecular consequence: synonymous variant.
Genome position (GRCh38, 1-based): chr21:34,886,972, G>A on the plus strand (C>T on the coding strand, the complement: RUNX1 is on the minus strand). VCF-style: chr21-34886972-G-A. GRCh37 (hg19) VCF-style: chr21-36259269-G-A.
Other names: NM_001754.5(RUNX1):c.222C>T; p.Gly74=; c.141C>T, p.Gly47= (NM_001001890.3, NM_001122607.2).
Identifiers: ClinVar variation 580683 (VCV000580683.12), dbSNP rs1269069934, ClinGen allele CA512318907.
Genomic context (GRCh38, chr21:34,886,972, plus strand): 5'-GCTGTCGGTGCGCACCAGCTCGCCCGGGTGGTCGGCCAGCACCTCCACCATGCTGCGGTC[G>A]CCGCTCCTCAGCTTGCCGGCCAGGGCAGCGCCGGCGTCCGGGGCGCCCAGCGGCAACGCC-3'
Protein context (NP_001745.2, residues 64-84): GAALAGKLRS[Gly74=]DRSMVEVLAD